The following is an entry in ClinVar:

ClinVar aggregate classification (germline): Uncertain significance. Review status: criteria provided, multiple submitters, no conflicts (2 of 4 stars). 2 submissions from 2 submitters: Uncertain significance (2). Last evaluated 2026-03-22.

Conditions:
Inborn genetic diseases. Identifiers: MedGen C0950123, MeSH D030342.
Developmental and epileptic encephalopathy, 12 (DEE12). Identifiers: MedGen C3150988, MONDO:0013389, OMIM 613722.

Submissions (2):

Ambry Genetics
Classification: Uncertain significance for Inborn genetic diseases. Last evaluated: 2026-03-22. Review status: criteria provided, single submitter. Criteria: Ambry Variant Classification Scheme 2023. Collection method: clinical testing. Allele origin: germline.
Comment: The c.374_376delAAG (p.E125del) alteration is located in exon 4 (coding exon 4) of the PLCB1 gene. This alteration consists of an in-frame deletion of 3 nucleotides between nucleotide positions c.374 and c.376, resulting in the deletion of 1 residue. Based on data from gnomAD, the --- allele has an overall frequency of <0.001% (1/251346) total alleles studied. The highest observed frequency was 0.001% (1/113658) of European (non-Finnish) alleles. Based on insufficient or conflicting evidence, the clinical significance of this alteration remains unclear.

Labcorp Genetics (formerly Invitae), Labcorp
Classification: Uncertain significance for Developmental and epileptic encephalopathy, 12. Last evaluated: 2022-03-08. Review status: criteria provided, single submitter. Criteria: Invitae Variant Classification Sherloc (09022015). Collection method: clinical testing. Allele origin: germline.
Comment: This variant, c.374_376del, results in the deletion of 1 amino acid(s) of the PLCB1 protein (p.Glu125del), but otherwise preserves the integrity of the reading frame. This variant is present in population databases (rs766595102, gnomAD 0.0009%). This variant has not been reported in the literature in individuals affected with PLCB1-related conditions. Experimental studies and prediction algorithms are not available or were not evaluated, and the functional significance of this variant is currently unknown. In summary, the available evidence is currently insufficient to determine the role of this variant in disease. Therefore, it has been classified as a Variant of Uncertain Significance.

NM_015192.4(PLCB1):c.368AAG[2] (p.Glu125del)

Gene: PLCB1 (phospholipase C beta 1; plus strand). Cytogenetic location: 20p12.3.
Variant type: Microsatellite.
Coding change: c.368AAG[2] on transcript NM_015192.4 (MANE Select); two copies in a row of the 3-base unit AAG starting at c.368; the reference has three copies in a row; one copy, 3 bases deleted.
Protein change: p.Glu125del; deletes glutamic acid 125.
Molecular consequence: inframe deletion.
Genome position (GRCh38, 1-based): chr20:8,628,421-8,628,423, AAG deleted; deleting any 3 consecutive bases within chr20:8,628,415-8,628,423 gives the same sequence; the position shown is the placement nearest the transcript's 3' end. VCF-style (leftmost placement, unchanged base first): chr20-8628414-CAAG-C. GRCh37 (hg19) VCF-style: chr20-8609061-CAAG-C.
Other names: c.374_376delAAG (NM_015192.2); c.368AAG[2], p.Glu125del (NM_182734.3); short protein forms E125del.
Identifiers: ClinVar variation 1415310 (VCV001415310.4), dbSNP rs766595102, ClinGen allele CA9759658.